The following is an entry in ClinVar:

NM_001384900.1(SEMA3D):c.2170A>G (p.Asn724Asp)

Genes: SEMA3D (semaphorin 3D; minus strand), LOC126860094 (BRD4-independent group 4 enhancer GRCh37_chr7:84628763-84629962; plus strand). Cytogenetic location: 7q21.11.
Variant type: single nucleotide variant.
Coding change: c.2170A>G on transcript NM_001384900.1 (MANE Select); coding-DNA position 2170, A replaced by G.
Protein change: p.Asn724Asp; replaces asparagine 724 with aspartic acid.
Molecular consequence: missense variant.
Genome position (GRCh38, 1-based): chr7:84,999,604, T>C on the plus strand (A>G on the coding strand, the complement: SEMA3D is on the minus strand). VCF-style: chr7-84999604-T-C. GRCh37 (hg19) VCF-style: chr7-84628920-T-C.
Other names: c.2170A>G, p.Asn724Asp (NM_001384901.1, NM_001384902.1, NM_001384903.1 and 1 more transcripts); short protein forms N724D.
Identifiers: ClinVar variation 3354016 (VCV003354016.1).

ClinVar aggregate classification (germline): Uncertain significance (0 of 4 stars; one submission).

Conditions:
SEMA3D-related disorder. Also called: SEMA3D-related condition.

Submission:

PreventionGenetics, part of Exact Sciences
Classification: Uncertain significance for SEMA3D-related condition. Last evaluated: 2024-07-03. Review status: no assertion criteria provided. Collection method: clinical testing. Allele origin: germline.
Comment: The SEMA3D c.2170A>G variant is predicted to result in the amino acid substitution p.Asn724Asp. To our knowledge, this variant has not been reported in the literature or in a large population database, indicating this variant is rare. At this time, the clinical significance of this variant is uncertain due to the absence of conclusive functional and genetic evidence.